The following is an entry in ClinVar:

NM_001367493.1(ARHGEF4):c.5479+15G>C

Gene: ARHGEF4 (Rho guanine nucleotide exchange factor 4; plus strand). Cytogenetic location: 2q21.1.
Variant type: single nucleotide variant.
Coding change: c.5479+15G>C on transcript NM_001367493.1 (MANE Select); 15 bases into the intron after coding-DNA position 5479, G replaced by C.
Molecular consequence: intron variant.
Genome position (GRCh38, 1-based): chr2:131,045,461, G>C. VCF-style: chr2-131045461-G-C. GRCh37 (hg19) VCF-style: chr2-131803034-G-C.
Other names: NM_032995.2:c.1936G>C; c.1921+15G>C (NM_015320.4); c.1810+15G>C (NM_001375901.1); c.1966+15G>C (NM_001375900.1); c.1768+15G>C (NM_001375902.1); c.1552+15G>C (NM_001375904.1); c.1711+15G>C (NM_001375903.1); c.1300+15G>C (NM_001395416.1).
Identifiers: ClinVar variation 3033122 (VCV003033122.2), dbSNP rs202215200, ClinGen allele CA1875456.

ClinVar aggregate classification (germline): Likely benign (0 of 4 stars; one submission).

Conditions:
ARHGEF4-related disorder. Also called: ARHGEF4-related condition.

Allele frequency attached by ClinVar (database versions not stated): 1000 Genomes Project 30x 0.00047; 1000 Genomes Project 0.00060; ESP Exome Variant Server 0.00238; TOPMed 0.00241; gnomAD 0.00271; gnomAD exomes 0.00338; ExAC 0.00341.
gnomAD v4.1: 5,333 of 1,613,534 alleles (0.33%); highest among the groups gnomAD compares: Non-Finnish European, 0.38%; 21 homozygotes.

Submission:

PreventionGenetics, part of Exact Sciences
Classification: Likely benign for ARHGEF4-related condition. Last evaluated: 2019-03-01. Review status: no assertion criteria provided. Collection method: clinical testing. Allele origin: germline.
Comment: This variant is classified as likely benign based on ACMG/AMP sequence variant interpretation guidelines (Richards et al. 2015 PMID: 25741868, with internal and published modifications).